The following is an entry in ClinVar:

NM_000444.6(PHEX):c.200_201insTTTTTTTTTTTTTTTTTTTTNNNNNNNNNNCCTGACCTCATGATCCACCCGCCTCGGCCTCCCAAAGTGCTGGGAGTACAGGCGTGAGCCACCGCGCCCGGCCTGCCATCTT (p.Leu67delinsPhePhePhePhePhePhePheXaaXaaXaaXaaLeuThrSerTer)

Gene: PHEX (phosphate regulating endopeptidase X-linked; plus strand). Cytogenetic location: Xp22.11.
Variant type: Insertion.
Coding change: c.200_201insTTTTTTTTTTTTTTTTTTTTNNNNNNNNNNCCTGACCTCATGATCCACCCGCCTCGGCCTCCCAAAGTGCTGGGAGTACAGGCGTGAGCCACCGCGCCCGGCCTGCCATCTT on transcript NM_000444.6 (MANE Select); coding-DNA positions 200 to 201, TTTTTTTTTTTTTTTTTTTTNNNNNNNNNNCCTGACCTCATGATCCACCCGCCTCGGCCTCCCAAAGTGCTGGGAGTACAGGCGTGAGCCACCGCGCCCGGCCTGCCATCTT inserted.
Protein change: p.Leu67delinsPhePhePhePhePhePhePheXaaXaaXaaXaaLeuThrSerTer.
Molecular consequence: nonsense.
Genome position: GRCh38: chrX:22,047,062-22,047,063. GRCh37 (hg19): chrX:22,065,180-22,065,181.
Other names: c.200_201insTTTTTTTTTTTTTTTTTTTTNNNNNNNNNNCCTGACCTCATGATCCACCCGCCTCGGCCTCCCAAAGTGCTGGGAGTACAGGCGTGAGCCACCGCGCCCGGCCTGCCATCTT, p.Leu67delinsPhePhePhePhePhePhePheXaaXaaXaaXaaLeuThrSerTer (NM_001282754.2).
Identifiers: ClinVar variation 2020894 (VCV002020894.4), dbSNP rs2519722162.

ClinVar aggregate classification (germline): Pathogenic (1 of 4 stars; one submission).

Submission:

Labcorp Genetics (formerly Invitae), Labcorp
Classification: Pathogenic. Last evaluated: 2022-07-31. Review status: criteria provided, single submitter. Criteria: Invitae Variant Classification Sherloc (09022015). Collection method: clinical testing. Allele origin: germline.
Comment: Algorithms developed to predict the effect of sequence changes on RNA splicing suggest that this variant may disrupt the consensus splice site. For these reasons, this variant has been classified as Pathogenic. Retrotransposon insertions including LINE1 (L1), Alu, and SVA (SINE-VNTR-Alu) have been reported to be disease-causing through disruption of either a coding region or splice site (PMID: 19763152, 20307669, 22406018) and loss-of-function variants in PHEX are known to be pathogenic (PMID: 9097956, 9106524, 19219621). This variant has not been reported in the literature in individuals affected with PHEX-related conditions. This variant is not present in population databases (gnomAD no frequency). This sequence change inserts a large fragment of DNA, likely a transposable element, in exon 3 of the PHEX gene (c.200_201ins?), causing a frameshift at codon 67 (p.Leu67fs). The exact size and sequence of the insertion cannot be determined by the current assay. However, the insertion is expected to result in an absent or disrupted protein product.

Literature cited by the submitters: PubMed 19763152; PubMed 20307669; PubMed 22406018; PubMed 9097956; PubMed 9106524; PubMed 19219621.